The following is an entry in ClinVar:

NM_170606.3(KMT2C):c.11854_11859dup (p.Pro3953_Gln3954insArgPro)

Gene: KMT2C (lysine methyltransferase 2C; minus strand). Cytogenetic location: 7q36.1.
Variant type: Duplication.
Coding change: c.11854_11859dup on transcript NM_170606.3 (MANE Select); coding-DNA positions 11854 to 11859, 6 bases duplicated (AGACCC; older notation c.11854_11859dupAGACCC).
Protein change: p.Pro3953_Gln3954insArgPro.
Molecular consequence: inframe insertion.
Genome position (GRCh38, 1-based): chr7:152,156,011-152,156,016, GGGTCT duplicated on the plus strand (AGACCC on the coding strand, the reverse complement: KMT2C is on the minus strand); duplicating any 6 consecutive bases within chr7:152,156,011-152,156,017 gives the same sequence; the c. name uses the placement nearest the transcript's 3' end. VCF-style (leftmost placement, unchanged base first): chr7-152156010-G-GGGGTCT. GRCh37 (hg19) VCF-style: chr7-151853095-G-GGGGTCT.
Identifiers: ClinVar variation 4808597 (VCV004808597.1).
Genomic context (GRCh38, chr7:152,156,010, plus strand): 5'-AGGCTGGCACATCAACTGTCTTGGGGCCCTGAGCAAGAGCTCGGGCCAACAAGTCGTCCT[G>GGGGTCT]GGGTCTGAAGGGCAGCTGAAATGGTTTAGGTCCTAGAGTTTTGGTAACTGGAAAAGCAAA-3'

ClinVar aggregate classification (germline): Uncertain significance (1 of 4 stars; one submission).

Submission:

Labcorp Genetics (formerly Invitae), Labcorp
Classification: Uncertain significance. Last evaluated: 2025-10-24. Review status: criteria provided, single submitter. Criteria: Invitae Variant Classification Sherloc (09022015). Collection method: clinical testing. Allele origin: germline.
Comment: This variant, c.11854_11859dup, results in the insertion of 2 amino acid(s) of the KMT2C protein (p.Arg3952_Pro3953dup), but otherwise preserves the integrity of the reading frame. This variant is not present in population databases (gnomAD no frequency). This variant has not been reported in the literature in individuals affected with KMT2C-related conditions. In summary, the available evidence is currently insufficient to determine the role of this variant in disease. Therefore, it has been classified as a Variant of Uncertain Significance.